The following is an entry in ClinVar:

NM_052874.5(STX1B):c.780C>G (p.Ala260=)

Gene: STX1B (syntaxin 1B; minus strand). Cytogenetic location: 16p11.2.
Variant type: single nucleotide variant.
Coding change: c.780C>G on transcript NM_052874.5 (MANE Select); coding-DNA position 780, C replaced by G.
Protein change: p.Ala260=; no amino-acid change (alanine 260 retained).
Molecular consequence: synonymous variant.
Genome position (GRCh38, 1-based): chr16:30,993,136, G>C on the plus strand (C>G on the coding strand, the complement: STX1B is on the minus strand). VCF-style: chr16-30993136-G-C. GRCh37 (hg19) VCF-style: chr16-31004457-G-C.
Identifiers: ClinVar variation 710233 (VCV000710233.38), dbSNP rs138274964, ClinGen allele CA8018276.

ClinVar aggregate classification (germline): Likely benign. Review status: criteria provided, multiple submitters, no conflicts (2 of 4 stars). 6 submissions from 6 submitters: Likely benign (5). 1 of the submissions does not count toward it. Last evaluated 2025-10-11.

Conditions:
STX1B-related disorder. Also called: STX1B-related condition.
Inborn genetic diseases. Identifiers: MedGen C0950123, MeSH D030342.
Generalized epilepsy with febrile seizures plus, type 9 (GEFSP9). Also called: GEFS+, TYPE 9. Identifiers: Orphanet 36387, MedGen C4015395, MONDO:0014517, OMIM 616172.

Allele frequency attached by ClinVar (database versions not stated): gnomAD exomes 0.00012 and 0.00032; gnomAD 0.00017 and 0.00019; ExAC 0.00018; TOPMed 0.00019; ESP Exome Variant Server 0.00023.
gnomAD v4.1: 485 of 1,614,012 alleles (0.03%); highest among the groups gnomAD compares: Non-Finnish European, 0.039%; no homozygotes.

Submissions (6):

Labcorp Genetics (formerly Invitae), Labcorp
Classification: Likely benign for Generalized epilepsy with febrile seizures plus, type 9. Last evaluated: 2025-10-11. Review status: criteria provided, single submitter. Criteria: Invitae Variant Classification Sherloc (09022015). Collection method: clinical testing. Allele origin: germline.

Blueprint Genetics
Classification: Likely benign. Last evaluated: 2024-09-14. Review status: criteria provided, single submitter. Criteria: ACMG Guidelines, 2015. Collection method: clinical testing. Allele origin: germline.

CeGaT Center for Human Genetics Tuebingen
Classification: Likely benign. Last evaluated: 2024-01-01. Review status: criteria provided, single submitter. Criteria: CeGaT Center For Human Genetics Tuebingen Variant Classification Criteria Version 2. Collection method: clinical testing. Allele origin: germline. Affected: yes. Observed: 1 variant allele.
Comment: STX1B: BP4, BP7

GeneDx
Classification: Likely benign. Last evaluated: 2021-02-11. Review status: criteria provided, single submitter. Criteria: GeneDx Variant Classification Process June 2021. Collection method: clinical testing. Allele origin: germline. Affected: yes.

Ambry Genetics
Classification: Likely benign for Inborn genetic diseases. Last evaluated: 2019-03-22. Review status: criteria provided, single submitter. Criteria: Ambry Variant Classification Scheme 2023. Collection method: clinical testing. Allele origin: germline.

PreventionGenetics, part of Exact Sciences
Classification: Likely benign for STX1B-related condition. Last evaluated: 2019-08-19. Review status: no assertion criteria provided. Collection method: clinical testing. Allele origin: germline. Not counted in ClinVar's aggregate classification.
Comment: This variant is classified as likely benign based on ACMG/AMP sequence variant interpretation guidelines (Richards et al. 2015 PMID: 25741868, with internal and published modifications).